The following is an entry in ClinVar:

NM_000256.3(MYBPC3):c.1672G>T (p.Ala558Ser)

Gene: MYBPC3 (myosin binding protein C3; minus strand). Cytogenetic location: 11p11.2.
Variant type: single nucleotide variant.
Coding change: c.1672G>T on transcript NM_000256.3 (MANE Select); coding-DNA position 1672, G replaced by T.
Protein change: p.Ala558Ser; replaces alanine 558 with serine.
Molecular consequence: missense variant.
Genome position (GRCh38, 1-based): chr11:47,342,109, C>A on the plus strand (G>T on the coding strand, the complement: MYBPC3 is on the minus strand). VCF-style: chr11-47342109-C-A. GRCh37 (hg19) VCF-style: chr11-47363660-C-A.
Other names: short protein forms A558S.
Identifiers: ClinVar variation 3297230 (VCV003297230.1).
Genomic context (GRCh38, chr11:47,342,109, plus strand): 5'-GCCACACACCCCGAACATTCTCATCTGAGACCTCACATTTGAACACCGCCTGGTCCTTTG[C>A]GCCCACCATCAGGTCTGCGATGCTCTGGTACACCTCCAGCTTCTTTTCTGCAGGGCAGGG-3'
Protein context (NP_000247.2, residues 548-568): YQSIADLMVG[Ala558Ser]KDQAVFKCEV

ClinVar aggregate classification (germline): Uncertain significance (1 of 4 stars; one submission).

Conditions:
Cardiovascular phenotype. Identifiers: MedGen CN230736.

Submission:

Ambry Genetics
Classification: Uncertain significance for Cardiovascular phenotype. Last evaluated: 2024-06-21. Review status: criteria provided, single submitter. Criteria: Ambry Variant Classification Scheme 2023. Collection method: clinical testing. Allele origin: germline.
Comment: The p.A558S variant (also known as c.1672G>T), located in coding exon 18 of the MYBPC3 gene, results from a G to T substitution at nucleotide position 1672. The alanine at codon 558 is replaced by serine, an amino acid with similar properties. This amino acid position is conserved. In addition, this alteration is predicted to be tolerated by in silico analysis. Based on the available evidence, the clinical significance of this variant remains unclear.